The following is an entry in ClinVar:

ClinVar aggregate classification (germline): Benign (1 of 4 stars; one submission).

Allele frequency attached by ClinVar (database versions not stated): gnomAD exomes 0.34081; ExAC 0.35386; gnomAD 0.38047; TOPMed 0.38224; 1000 Genomes Project 30x 0.40334; 1000 Genomes Project 0.40655.
gnomAD v4.1: 554,469 of 1,608,276 alleles (34%); highest among the groups gnomAD compares: African/African-American, 49%; 97,197 homozygotes.

Submission:

Unidad de Genómica Garrahan, Hospital de Pediatría Garrahan
Classification: Benign. Last evaluated: 2024-01-24. Review status: criteria provided, single submitter. Criteria: ACMG Guidelines, 2015. Collection method: clinical testing. Allele origin: germline. Affected: no. Observed: 58 variant alleles.
Comment: This variant is classified as Benign based on local population frequency. This variant was detected in 66% of patients studied by a panel of primary immunodeficiencies. Number of patients: 58. Only high quality variants are reported.

NM_002198.3(IRF1):c.545-68A>G

Genes: IRF1 (interferon regulatory factor 1; minus strand), LOC126807508 (CDK7 strongly-dependent group 2 enhancer GRCh37_chr5:131821689-131822888; plus strand). Cytogenetic location: 5q31.1.
Variant type: single nucleotide variant.
Coding change: c.545-68A>G on transcript NM_002198.3 (MANE Select); 68 bases into the intron before coding-DNA position 545, A replaced by G.
Molecular consequence: intron variant.
Genome position (GRCh38, 1-based): chr5:132,486,441, T>C on the plus strand (A>G on the coding strand, the complement: IRF1 is on the minus strand). VCF-style: chr5-132486441-T-C. GRCh37 (hg19) VCF-style: chr5-131822133-T-C.
Other names: c.544+116A>G (NM_001354924.1); c.545-68A>G (NM_001354925.1).
Identifiers: ClinVar variation 2688382 (VCV002688382.2), dbSNP rs9282763, ClinGen allele CA3404558.